The following is an entry in ClinVar:

NM_025215.6(PUS1):c.269del (p.Met90fs)

Gene: PUS1 (pseudouridine synthase 1; plus strand). Cytogenetic location: 12q24.33.
Variant type: Deletion.
Coding change: c.269del on transcript NM_025215.6 (MANE Select); coding-DNA position 269, one base deleted (T; older notation c.269delT).
Protein change: p.Met90fs; shifts the reading frame from methionine 90.
Molecular consequence: frameshift variant.
Genome position (GRCh38, 1-based): chr12:131,930,101, T deleted. VCF-style (leftmost placement, unchanged base first): chr12-131930100-AT-A. GRCh37 (hg19) VCF-style: chr12-132414645-AT-A.
Other names: c.185del, p.Met62fs (NM_001002019.3, NM_001002020.3); short protein forms M62fs, M90fs.
Identifiers: ClinVar variation 5016035 (VCV005016035.1).

ClinVar aggregate classification (germline): Pathogenic (1 of 4 stars; one submission).

Conditions:
Myopathy, lactic acidosis, and sideroblastic anemia 1 (MLASA1). Identifiers: Orphanet 2598, MedGen C4551958, MONDO:0024553, OMIM 600462.

Submission:

Myriad Genetics, Inc.
Classification: Pathogenic for Myopathy, lactic acidosis, and sideroblastic anemia 1. Last evaluated: 2026-06-13. Review status: criteria provided, single submitter. Criteria: Myriad Autosomal Dominant, Autosomal Recessive and X-Linked Classification Criteria (2023). Collection method: clinical testing. Allele origin: unknown.
Comment: NM_025215.5(PUS1):c.269delT(M90Rfs*45) is expected to be pathogenic in the context of myopathy, lactic acidosis, and sideroblastic anemia 1. This variant is predicted to lead to an abnormal or absent protein product due to the creation of a premature termination codon in PUS1, a gene where loss-of-function variants are known to be pathogenic. Please note: this variant was assessed in the context of healthy population screening.